The following is an entry in ClinVar:

ClinVar aggregate classification (germline): Uncertain significance. Review status: criteria provided, multiple submitters, no conflicts (2 of 4 stars). 2 submissions from 2 submitters: Uncertain significance (2). Last evaluated 2024-07-31.

Conditions:
Inborn genetic diseases. Identifiers: MedGen C0950123, MeSH D030342.

Allele frequency attached by ClinVar (database versions not stated): gnomAD exomes 0.00002; TOPMed 0.00003; ExAC 0.00004; gnomAD 0.00004.
gnomAD v4.1: 40 of 1,613,010 alleles (0.0025%); highest among the groups gnomAD compares: Non-Finnish European, 0.0032%; no homozygotes.

Submissions (2):

Ambry Genetics
Classification: Uncertain significance for Inborn genetic diseases. Last evaluated: 2024-07-31. Review status: criteria provided, single submitter. Criteria: Ambry Variant Classification Scheme 2023. Collection method: clinical testing. Allele origin: germline.

GeneDx
Classification: Uncertain significance. Last evaluated: 2022-12-14. Review status: criteria provided, single submitter. Criteria: GeneDx Variant Classification Process June 2021. Collection method: clinical testing. Allele origin: germline. Affected: yes.
Comment: Not observed at significant frequency in large population cohorts (gnomAD); In silico analysis supports that this missense variant has a deleterious effect on protein structure/function; Has not been previously published as pathogenic or benign to our knowledge

NM_024537.4(CARS2):c.1117T>A (p.Phe373Ile)

Gene: CARS2 (cysteinyl-tRNA synthetase 2, mitochondrial; minus strand). Cytogenetic location: 13q34.
Variant type: single nucleotide variant.
Coding change: c.1117T>A on transcript NM_024537.4 (MANE Select); coding-DNA position 1117, T replaced by A.
Protein change: p.Phe373Ile; replaces phenylalanine 373 with isoleucine.
Molecular consequence: missense variant. On other transcripts: non-coding transcript variant (2).
Genome position (GRCh38, 1-based): chr13:110,647,177, A>T on the plus strand (T>A on the coding strand, the complement: CARS2 is on the minus strand). VCF-style: chr13-110647177-A-T. GRCh37 (hg19) VCF-style: chr13-111299524-A-T.
Other names: c.331T>A, p.Phe111Ile (NM_001352252.2); short protein forms F111I, F373I.
Identifiers: ClinVar variation 2505976 (VCV002505976.2), dbSNP rs757359798, ClinGen allele CA7051907.
Genomic context (GRCh38, chr13:110,647,177, plus strand): 5'-CTTCCCTGACGGAGCCGCAGGCCAGCTGCCCCTTCATGTAGGCACGTGCGTCCTCCAGGA[A>T]AGAGCCCAGCCCCAGGAGCAGCTGCTGAGCTTGGAGCATGGCGCTGTCACTGTAGTCGAT-3'
Protein context (NP_078813.1, residues 363-383): AQQLLLGLGS[Phe373Ile]LEDARAYMKG